The following is an entry in ClinVar:

ClinVar aggregate classification (germline): Uncertain significance. Review status: criteria provided, multiple submitters, no conflicts (2 of 4 stars). 2 submissions from 2 submitters: Uncertain significance (2). Last evaluated 2025-09-16.

Conditions:
Pierson syndrome. Also called: MICROCORIA-CONGENITAL NEPHROTIC SYNDROME. Identifiers: Orphanet 2670, MedGen C1836876, MONDO:0012184, OMIM 609049.
LAMB2-related infantile-onset nephrotic syndrome. Also called: NEPHROTIC SYNDROME, TYPE 5, WITHOUT OCULAR ABNORMALITIES; NEPHROTIC SYNDROME, TYPE 5, WITH OCULAR ABNORMALITIES; Nephrotic Syndrome, type 5. Identifiers: Orphanet 306507, MedGen C3280113, MONDO:0013621, OMIM 614199.
Inborn genetic diseases. Identifiers: MedGen C0950123, MeSH D030342.

gnomAD v4.1: 3 of 1,613,898 alleles (0.00019%); highest among the groups gnomAD compares: Non-Finnish European, 0.00025%; no homozygotes.

Submissions (2):

Ambry Genetics
Classification: Uncertain significance for Inborn genetic diseases. Last evaluated: 2025-09-16. Review status: criteria provided, single submitter. Criteria: Ambry Variant Classification Scheme 2023. Collection method: clinical testing. Allele origin: germline.
Comment: The c.1414T>C (p.C472R) alteration is located in exon 11 (coding exon 11) of the LAMB2 gene. This alteration results from a T to C substitution at nucleotide position 1414, causing the cysteine (C) at amino acid position 472 to be replaced by an arginine (R). This variant was not reported in population-based cohorts in the Genome Aggregation Database (gnomAD). This amino acid position is highly conserved in available vertebrate species. This alteration is predicted to be deleterious by in silico analysis. Based on insufficient or conflicting evidence, the clinical significance of this alteration remains unclear.

Labcorp Genetics (formerly Invitae), Labcorp
Classification: Uncertain significance for LAMB2-related infantile-onset nephrotic syndrome; Pierson syndrome. Last evaluated: 2024-04-03. Review status: criteria provided, single submitter. Criteria: Invitae Variant Classification Sherloc (09022015). Collection method: clinical testing. Allele origin: germline.
Comment: This sequence change replaces cysteine, which is neutral and slightly polar, with arginine, which is basic and polar, at codon 472 of the LAMB2 protein (p.Cys472Arg). This variant is not present in population databases (gnomAD no frequency). This variant has not been reported in the literature in individuals affected with LAMB2-related conditions. ClinVar contains an entry for this variant (Variation ID: 1488589). An algorithm developed to predict the effect of missense changes on protein structure and function (PolyPhen-2) suggests that this variant is likely to be disruptive. In summary, the available evidence is currently insufficient to determine the role of this variant in disease. Therefore, it has been classified as a Variant of Uncertain Significance.

NM_002292.4(LAMB2):c.1414T>C (p.Cys472Arg)

Gene: LAMB2 (laminin subunit beta 2; minus strand). Cytogenetic location: 3p21.31.
Variant type: single nucleotide variant.
Coding change: c.1414T>C on transcript NM_002292.4 (MANE Select); coding-DNA position 1414, T replaced by C.
Protein change: p.Cys472Arg; replaces cysteine 472 with arginine.
Molecular consequence: missense variant.
Genome position (GRCh38, 1-based): chr3:49,129,708, A>G on the plus strand (T>C on the coding strand, the complement: LAMB2 is on the minus strand). VCF-style: chr3-49129708-A-G. GRCh37 (hg19) VCF-style: chr3-49167141-A-G.
Other names: c.1414T>C (NM_002292.3); short protein forms C472R.
Identifiers: ClinVar variation 1488589 (VCV001488589.8), dbSNP rs746963326, ClinGen allele CA352737436.